The following is an entry in ClinVar:

ClinVar aggregate classification (germline): Uncertain significance (1 of 4 stars; one submission).

Conditions:
Isolated microphthalmia 4. Identifiers: Orphanet 2542, MedGen C2751307, MONDO:0013130, OMIM 613094.
Klippel-Feil syndrome 1, autosomal dominant (KFS1). Also called: CERVICAL VERTEBRAL FUSION, AUTOSOMAL DOMINANT. Identifiers: Orphanet 2345, MedGen C1861689, MONDO:0007306, OMIM 118100.
Microphthalmia, isolated, with coloboma 6 (MCOPCB6). Also called: MICROPHTHALMIA/COLOBOMA 6; Microphthalmia with coloboma 6, digenic; Microphthalmia with coloboma 6. Identifiers: Orphanet 98938, MedGen C3150968, MONDO:0013376, OMIM 613703.
Leber congenital amaurosis 17 (LCA17). Identifiers: Orphanet 65, MedGen C3715164, MONDO:0014145, OMIM 615360.

Allele frequency attached by ClinVar (database versions not stated): gnomAD 0.00001.
gnomAD v4.1: 6 of 1,502,118 alleles (0.0004%); highest among the groups gnomAD compares: Non-Finnish European, 0.00053%; no homozygotes.

Submission:

Labcorp Genetics (formerly Invitae), Labcorp
Classification: Uncertain significance for Isolated microphthalmia 4; Leber congenital amaurosis 17; Klippel-Feil syndrome 1, autosomal dominant; Microphthalmia, isolated, with coloboma 6. Last evaluated: 2023-12-16. Review status: criteria provided, single submitter. Criteria: Invitae Variant Classification Sherloc (09022015). Collection method: clinical testing. Allele origin: germline.
Comment: This sequence change replaces proline, which is neutral and non-polar, with arginine, which is basic and polar, at codon 258 of the GDF6 protein (p.Pro258Arg). This variant is not present in population databases (gnomAD no frequency). This variant has not been reported in the literature in individuals affected with GDF6-related conditions. Advanced modeling of protein sequence and biophysical properties (such as structural, functional, and spatial information, amino acid conservation, physicochemical variation, residue mobility, and thermodynamic stability) performed at Invitae indicates that this missense variant is not expected to disrupt GDF6 protein function with a negative predictive value of 80%. In summary, the available evidence is currently insufficient to determine the role of this variant in disease. Therefore, it has been classified as a Variant of Uncertain Significance.

NM_001001557.4(GDF6):c.773C>G (p.Pro258Arg)

Gene: GDF6 (growth differentiation factor 6; minus strand). Cytogenetic location: 8q22.1.
Variant type: single nucleotide variant.
Coding change: c.773C>G on transcript NM_001001557.4 (MANE Select); coding-DNA position 773, C replaced by G.
Protein change: p.Pro258Arg; replaces proline 258 with arginine.
Molecular consequence: missense variant.
Genome position (GRCh38, 1-based): chr8:96,145,158, G>C on the plus strand (C>G on the coding strand, the complement: GDF6 is on the minus strand). VCF-style: chr8-96145158-G-C. GRCh37 (hg19) VCF-style: chr8-97157386-G-C.
Other names: short protein forms P258R.
Identifiers: ClinVar variation 2948318 (VCV002948318.3), dbSNP rs1479616197, ClinGen allele CA371751892.